The following is an entry in ClinVar:

NM_020738.4(KIDINS220):c.2743C>T (p.Arg915Cys)

Gene: KIDINS220 (kinase D interacting substrate 220; minus strand). Cytogenetic location: 2p25.1.
Variant type: single nucleotide variant.
Coding change: c.2743C>T on transcript NM_020738.4 (MANE Select); coding-DNA position 2743, C replaced by T.
Protein change: p.Arg915Cys; replaces arginine 915 with cysteine.
Molecular consequence: missense variant. On other transcripts: non-coding transcript variant (2).
Genome position (GRCh38, 1-based): chr2:8,776,853, G>A on the plus strand (C>T on the coding strand, the complement: KIDINS220 is on the minus strand). VCF-style: chr2-8776853-G-A. GRCh37 (hg19) VCF-style: chr2-8916983-G-A.
Other names: c.2746C>T, p.Arg916Cys (NM_001348729.2, NM_001348731.2, NM_001348734.2 and 3 more transcripts); c.2743C>T, p.Arg915Cys (NM_001348732.2, NM_001348735.2, NM_001348738.2 and 3 more transcripts); c.2617C>T, p.Arg873Cys (NM_001348736.2); short protein forms R873C, R915C, R916C.
Identifiers: ClinVar variation 3347422 (VCV003347422.1).
Genomic context (GRCh38, chr2:8,776,853, plus strand): 5'-TGATGTCACTGAACCAGTCCTCGGTAACCAGCAGTTTTGTAAGATCAAAGGACATCTGGC[G>A]AGTGATGGTCCTCTGCATCTGCCTTCTTCGGTAAGTGTCCTGAAACAGCACGTCGTCAGT-3'
Protein context (NP_065789.1, residues 905-925): RRRQMQRTIT[Arg915Cys]QMSFDLTKLL

ClinVar aggregate classification (germline): Uncertain significance (0 of 4 stars; one submission).

Conditions:
KIDINS220-related disorder. Also called: KIDINS220-related condition.

gnomAD v4.1: 12 of 1,613,822 alleles (0.00074%); highest among the groups gnomAD compares: African/African-American, 0.011%; no homozygotes.

Submission:

PreventionGenetics, part of Exact Sciences
Classification: Uncertain significance for KIDINS220-related condition. Last evaluated: 2024-04-04. Review status: no assertion criteria provided. Collection method: clinical testing. Allele origin: germline.
Comment: The KIDINS220 c.2743C>T variant is predicted to result in the amino acid substitution p.Arg915Cys. To our knowledge, this variant has not been reported in the literature. This variant is reported in 0.017% of alleles in individuals of African descent in gnomAD. At this time, the clinical significance of this variant is uncertain due to the absence of conclusive functional and genetic evidence.